The following is an entry in ClinVar:

NM_001009944.3(PKD1):c.4121T>A (p.Ile1374Asn)

Gene: PKD1 (polycystin 1, transient receptor potential channel interacting; minus strand). Cytogenetic location: 16p13.3.
Variant type: single nucleotide variant.
Coding change: c.4121T>A on transcript NM_001009944.3 (MANE Select); coding-DNA position 4121, T replaced by A.
Protein change: p.Ile1374Asn; replaces isoleucine 1374 with asparagine.
Molecular consequence: missense variant.
Genome position (GRCh38, 1-based): chr16:2,111,046, A>T on the plus strand (T>A on the coding strand, the complement: PKD1 is on the minus strand). VCF-style: chr16-2111046-A-T. GRCh37 (hg19) VCF-style: chr16-2161047-A-T.
Other names: c.4121T>A, p.Ile1374Asn (NM_000296.4); short protein forms I1374N.
Identifiers: ClinVar variation 1805252 (VCV001805252.1), dbSNP rs2544824821, ClinGen allele CA394381476.

ClinVar aggregate classification (germline): Uncertain significance (1 of 4 stars; one submission).

Conditions:
Polycystic kidney disease, adult type (PKD1). Also called: Polycystic Kidney Disease 1, Autosomal Dominant; Polycystic kidney disease 1; Polycystic kidney disease 1, severe; Polycystic Kidney, Autosomal Dominant; POLYCYSTIC KIDNEY DISEASE 1 WITH OR WITHOUT POLYCYSTIC LIVER DISEASE; POLYCYSTIC KIDNEY DISEASE, ADULT, TYPE I. Identifiers: MedGen C3149841, MONDO:0008263, OMIM 173900.

Submission:

Victorian Clinical Genetics Services, Murdoch Childrens Research Institute
Classification: Uncertain significance for Polycystic kidney disease, adult type. Last evaluated: 2020-06-11. Review status: criteria provided, single submitter. Criteria: ACMG Guidelines, 2015. Collection method: clinical testing. Allele origin: germline. Inheritance: Autosomal dominant inheritance. Affected: yes.
Comment: Based on the classification scheme VCGS_Germline_v1.1.1, this variant is classified as 3B-VUS. Following criteria are met: 0102 - Loss-of-function is a known mechanism of disease for this gene. (N) 0107 - This gene is known to be associated with autosomal dominant disease. Polycystic kidney disease is predominantly caused by monoallelic variants, with rare reports of biallelic variants causing disease (PMID: 29038287). (N) 0200 - Variant is predicted to result in a missense amino acid change from isoleucine to asparagine (exon 15). (N) 0251 - Variant is heterozygous. (N) 0301 - Variant is absent from gnomAD. (P) 0309 - Multiple alternative amino acid changes at the same position have been observed in gnomAD (highest allele count: 21 heterozygotes, 0 homozygotes). (N) 0502 - Missense variant with conflicting in silico predictions and/or uninformative conservation. (N) 0600 - Variant is located in an annotated domain or motif (PKD repeat; Decipher, Uniprot). (N) 0705 - No comparable variants have previous evidence for pathogenicity. (N) 0807 - Variant has not previously been reported in a clinical context. (N) 0905 - No segregation evidence has been identified for this variant. (N) 1007 - No published functional evidence has been identified for this variant. (N) 1102 - Strong phenotype match. (P) 1208 - Inheritance information for this variant is not currently available. (N) Legend: (P) - Pathogenic, (N) - Neutral, (B) - Benign

Literature cited by the submitters: PubMed 29038287.